The following is an entry in ClinVar:

ClinVar aggregate classification (germline): Uncertain significance (1 of 4 stars; one submission).

Conditions:
Early-infantile DEE. Also called: Ohtahara syndrome; Early infantile epileptic encephalopathy with suppression bursts; Early infantile epileptic encephalopathy. Identifiers: Orphanet 1934, MedGen C0393706, MONDO:0800491.

Submission:

Labcorp Genetics (formerly Invitae), Labcorp
Classification: Uncertain significance for Early-infantile DEE. Last evaluated: 2025-08-15. Review status: criteria provided, single submitter. Criteria: Invitae Variant Classification Sherloc (09022015). Collection method: clinical testing. Allele origin: germline.
Comment: This sequence change replaces leucine, which is neutral and non-polar, with valine, which is neutral and non-polar, at codon 704 of the SCN1A protein (p.Leu704Val). This variant is not present in population databases (gnomAD no frequency). This missense change has been observed in individual(s) with clinical features of SCN1A-related conditions (internal data). ClinVar contains an entry for this variant (Variation ID: 1466777). Invitae Evidence Modeling of protein sequence and biophysical properties (such as structural, functional, and spatial information, amino acid conservation, physicochemical variation, residue mobility, and thermodynamic stability) has been performed for this missense variant. However, the output from this modeling did not meet the statistical confidence thresholds required to predict the impact of this variant on SCN1A protein function. In summary, the available evidence is currently insufficient to determine the role of this variant in disease. Therefore, it has been classified as a Variant of Uncertain Significance.

NM_001165963.4(SCN1A):c.2110C>G (p.Leu704Val)

Gene: SCN1A (sodium voltage-gated channel alpha subunit 1; minus strand). Cytogenetic location: 2q24.3.
Variant type: single nucleotide variant.
Coding change: c.2110C>G on transcript NM_001165963.4 (MANE Select); coding-DNA position 2110, C replaced by G.
Protein change: p.Leu704Val; replaces leucine 704 with valine.
Molecular consequence: missense variant. On other transcripts: 5 prime UTR variant (1), non-coding transcript variant (1).
Genome position (GRCh38, 1-based): chr2:166,042,358, G>C on the plus strand (C>G on the coding strand, the complement: SCN1A is on the minus strand). VCF-style: chr2-166042358-G-C. GRCh37 (hg19) VCF-style: chr2-166898868-G-C.
Other names: c.2026C>G, p.Leu676Val (NM_001165964.3, NM_001353957.2, NM_001353958.2); c.2110C>G, p.Leu704Val (NM_001202435.3, NM_001353948.2); c.2077C>G, p.Leu693Val (NM_001353949.2, NM_001353950.2, NM_001353951.2 and 2 more transcripts); c.2074C>G, p.Leu692Val (NM_001353954.2, NM_001353955.2); c.2023C>G, p.Leu675Val (NM_001353960.2); c.-349C>G (NM_001353961.2); short protein forms L692V, L704V, L675V, L676V, L693V.
Identifiers: ClinVar variation 1466777 (VCV001466777.9), dbSNP rs2105835263, ClinGen allele CA349065895.